The following is an entry in ClinVar:

ClinVar aggregate classification (germline): Pathogenic. Review status: criteria provided, multiple submitters, no conflicts (2 of 4 stars). 2 submissions from 2 submitters: Pathogenic (2). Last evaluated 2026-03-16.

Conditions:
Hereditary pheochromocytoma and paraganglioma. Also called: Hereditary Paraganglioma-Pheochromocytoma Syndromes; Hereditary pheochromocytoma-paraganglioma; Hereditary paragangliomas and pheochromocytomas. Identifiers: Orphanet 29072, MedGen C4274332, MONDO:0017366.
Hereditary cancer-predisposing syndrome. Also called: Hereditary neoplastic syndrome; Tumor predisposition; Hereditary Cancer Syndrome; Neoplastic Syndromes, Hereditary. Identifiers: Orphanet 140162, MedGen C0027672, MeSH D009386, MONDO:0015356.

Submissions (2):

Ambry Genetics
Classification: Pathogenic for Hereditary cancer-predisposing syndrome. Last evaluated: 2026-03-16. Review status: criteria provided, single submitter. Criteria: Ambry Variant Classification Scheme 2023. Collection method: clinical testing. Allele origin: germline.
Comment: The c.449delC pathogenic mutation, located in coding exon 3 of the TMEM127 gene, results from a deletion of one nucleotide at nucleotide position 449, causing a translational frameshift with a predicted alternate stop codon (p.A150Vfs*157). This variant occurs at the 3' terminus of thegene, is not expected to trigger nonsense-mediated mRNAdecay and results in the elongation of the protein by 67 amino acids. This frameshift impacts the last 89 amino acids of the native protein. However, frameshifts are typically deleterious in nature and a significant portion of the protein is affected (Ambry internal data). This variant is considered to be rare based on population cohorts in the Genome Aggregation Database (gnomAD). Based on the supporting evidence, this variant is interpreted as a disease-causing mutation.

Labcorp Genetics (formerly Invitae), Labcorp
Classification: Pathogenic for Hereditary pheochromocytoma and paraganglioma. Last evaluated: 2024-08-11. Review status: criteria provided, single submitter. Criteria: Invitae Variant Classification Sherloc (09022015). Collection method: clinical testing. Allele origin: germline.
Comment: This sequence change results in a frameshift in the TMEM127 gene (p.Ala150Valfs*157). While this is not anticipated to result in nonsense mediated decay, it is expected to disrupt the last 89 amino acid(s) of the TMEM127 protein and extend the protein by 67 additional amino acid residues. This variant is not present in population databases (gnomAD no frequency). This variant has not been reported in the literature in individuals affected with TMEM127-related conditions. This variant disrupts a region of the TMEM127 protein in which other variant(s) (p.Thr191Argfs*116) have been determined to be pathogenic (PMID: 26960314, 28567294; Invitae). This suggests that this is a clinically significant region of the protein, and that variants that disrupt it are likely to be disease-causing. For these reasons, this variant has been classified as Pathogenic.

Literature cited by the submitters: PubMed 26960314 (cited by Labcorp Genetics (formerly Invitae), Labcorp); PubMed 28567294 (cited by Labcorp Genetics (formerly Invitae), Labcorp).

NM_017849.4(TMEM127):c.449del (p.Ala150fs)

Gene: TMEM127 (transmembrane protein 127; minus strand). Cytogenetic location: 2q11.2.
Variant type: Deletion.
Coding change: c.449del on transcript NM_017849.4 (MANE Select); coding-DNA position 449, one base deleted (C; older notation c.449delC).
Protein change: p.Ala150fs; shifts the reading frame from alanine 150.
Molecular consequence: frameshift variant.
Genome position (GRCh38, 1-based): chr2:96,254,076, G deleted on the plus strand (C on the coding strand, the reverse complement: TMEM127 is on the minus strand). VCF-style (leftmost placement, unchanged base first): chr2-96254075-AG-A. GRCh37 (hg19) VCF-style: chr2-96919813-AG-A.
Other names: c.449del, p.Ala150fs (NM_001193304.3); c.197del, p.Ala66fs (NM_001407282.1, NM_001407283.1); short protein forms A66fs, A150fs.
Identifiers: ClinVar variation 3668776 (VCV003668776.3).